The following is an entry in ClinVar:

ClinVar aggregate classification (germline): Uncertain significance (1 of 4 stars; one submission).

Allele frequency attached by ClinVar (database versions not stated): gnomAD exomes 0.00001 and 0.00003; ExAC 0.00002; TOPMed 0.00002; ESP Exome Variant Server 0.00008.

Submission:

Labcorp Genetics (formerly Invitae), Labcorp
Classification: Uncertain significance. Last evaluated: 2025-10-03. Review status: criteria provided, single submitter. Criteria: Invitae Variant Classification Sherloc (09022015). Collection method: clinical testing. Allele origin: germline.
Comment: This sequence change replaces leucine, which is neutral and non-polar, with arginine, which is basic and polar, at codon 573 of the KIF20A protein (p.Leu573Arg). This variant is present in population databases (rs370818208, gnomAD 0.006%). This variant has not been reported in the literature in individuals affected with KIF20A-related conditions. ClinVar contains an entry for this variant (Variation ID: 1363898). An algorithm developed to predict the effect of missense changes on protein structure and function (PolyPhen-2) suggests that this variant is likely to be disruptive. In summary, the available evidence is currently insufficient to determine the role of this variant in disease. Therefore, it has been classified as a Variant of Uncertain Significance.

NM_005733.3(KIF20A):c.1718T>G (p.Leu573Arg)

Gene: KIF20A (kinesin family member 20A; plus strand). Cytogenetic location: 5q31.2.
Variant type: single nucleotide variant.
Coding change: c.1718T>G on transcript NM_005733.3 (MANE Select); coding-DNA position 1718, T replaced by G.
Protein change: p.Leu573Arg; replaces leucine 573 with arginine.
Molecular consequence: missense variant.
Genome position (GRCh38, 1-based): chr5:138,184,841, T>G. VCF-style: chr5-138184841-T-G. GRCh37 (hg19) VCF-style: chr5-137520530-T-G.
Other names: short protein forms L573R.
Identifiers: ClinVar variation 1363898 (VCV001363898.8), dbSNP rs370818208, ClinGen allele CA3426692.